The following is an entry in ClinVar:

ClinVar aggregate classification (germline): Uncertain significance (1 of 4 stars; one submission).

Allele frequency attached by ClinVar (database versions not stated): TOPMed below 0.00001.

Submission:

Labcorp Genetics (formerly Invitae), Labcorp
Classification: Uncertain significance. Last evaluated: 2023-03-17. Review status: criteria provided, single submitter. Criteria: Invitae Variant Classification Sherloc (09022015). Collection method: clinical testing. Allele origin: germline.
Comment: This variant is not present in population databases (gnomAD no frequency). This sequence change replaces valine, which is neutral and non-polar, with leucine, which is neutral and non-polar, at codon 84 of the KLHDC8B protein (p.Val84Leu). This variant has not been reported in the literature in individuals affected with KLHDC8B-related conditions. In summary, the available evidence is currently insufficient to determine the role of this variant in disease. Therefore, it has been classified as a Variant of Uncertain Significance. An algorithm developed to predict the effect of missense changes on protein structure and function (PolyPhen-2) suggests that this variant is likely to be tolerated.

NM_173546.3(KLHDC8B):c.250G>T (p.Val84Leu)

Gene: KLHDC8B (kelch domain containing 8B; plus strand). Cytogenetic location: 3p21.31.
Variant type: single nucleotide variant.
Coding change: c.250G>T on transcript NM_173546.3 (MANE Select); coding-DNA position 250, G replaced by T.
Protein change: p.Val84Leu; replaces valine 84 with leucine.
Molecular consequence: missense variant.
Genome position (GRCh38, 1-based): chr3:49,173,019, G>T. VCF-style: chr3-49173019-G-T. GRCh37 (hg19) VCF-style: chr3-49210452-G-T.
Other names: short protein forms V84L.
Identifiers: ClinVar variation 2846602 (VCV002846602.3), dbSNP rs1433656318, ClinGen allele CA352776119.